The following is an entry in ClinVar:

NM_001042492.3(NF1):c.3975-2A>T

Gene: NF1 (neurofibromin 1; plus strand). Cytogenetic location: 17q11.2.
Variant type: single nucleotide variant.
Coding change: c.3975-2A>T on transcript NM_001042492.3 (MANE Select); the canonical splice acceptor site of the intron before coding-DNA position 3975, A replaced by T.
Molecular consequence: splice acceptor variant.
Genome position (GRCh38, 1-based): chr17:31,248,982, A>T. VCF-style: chr17-31248982-A-T. GRCh37 (hg19) VCF-style: chr17-29576000-A-T.
Other names: c.3975-2A>T (NM_000267.4).
Identifiers: ClinVar variation 963827 (VCV000963827.9), dbSNP rs864622431, ClinGen allele CA398994802.

ClinVar aggregate classification (germline): Pathogenic. Review status: criteria provided, multiple submitters, no conflicts (2 of 4 stars). 2 submissions from 2 submitters: Pathogenic (2). Last evaluated 2025-07-06.

Conditions:
Hereditary cancer-predisposing syndrome. Also called: Hereditary neoplastic syndrome; Tumor predisposition; Neoplastic Syndromes, Hereditary; Hereditary Cancer Syndrome. Identifiers: Orphanet 140162, MedGen C0027672, MeSH D009386, MONDO:0015356.
Cardiovascular phenotype. Identifiers: MedGen CN230736.
Neurofibromatosis, type 1 (NF1). Also called: Peripheral type neurofibromatosis; VON RECKLINGHAUSEN DISEASE; NEUROFIBROMATOSIS, TYPE I, SOMATIC; Neurofibromatosis, type I. Identifiers: Orphanet 636, MedGen C0027831, MONDO:0018975, OMIM 162200. Disease mechanism: loss of function.

Submissions (2):

Labcorp Genetics (formerly Invitae), Labcorp
Classification: Pathogenic for Neurofibromatosis, type 1. Last evaluated: 2025-07-06. Review status: criteria provided, single submitter. Criteria: Invitae Variant Classification Sherloc (09022015). Collection method: clinical testing. Allele origin: germline.
Comment: This sequence change affects an acceptor splice site in intron 29 of the NF1 gene. RNA analysis indicates that disruption of this splice site induces altered splicing and may result in an absent or altered protein product. This variant is not present in population databases (gnomAD no frequency). Disruption of this splice site has been observed in individual(s) with neurofibromatosis 1 (NF1) (PMID: 9003501, 10712197, 16944272). Invitae Evidence Modeling of clinical and family history, age, sex, and reported ancestry of multiple individuals with this NF1 variant has been performed. This variant is expected to be pathogenic with a positive predictive value of at least 99%. This is a validated machine learning model that incorporates the clinical features of 1,785,918 individuals referred to our laboratory for NF1 testing. ClinVar contains an entry for this variant (Variation ID: 963827). Studies have shown that disruption of this splice site results in activation of a cryptic splice site, and produces a non-functional protein and/or introduces a premature termination codon (PMID: 10712197, 18546366). For these reasons, this variant has been classified as Pathogenic.

Ambry Genetics
Classification: Pathogenic for Cardiovascular phenotype; Hereditary cancer-predisposing syndrome. Last evaluated: 2019-09-04. Review status: criteria provided, single submitter. Criteria: Ambry Variant Classification Scheme 2023. Collection method: clinical testing. Allele origin: germline.
Comment: The c.3975-2A>T intronic pathogenic mutation results from an A to T substitution two nucleotides upstream from coding exon 30 in the NF1 gene. A different variant at the same location, c.3975-2A>G, has been reported in multiple individuals with neurofibromatosis type 1 and has been found to cause aberrant mRNA splicing (Upadhyaya M et al. Hum. Genet. 1997 Jan;99:88-92; Fahsold R et al. Am. J. Hum. Genet. 2000 Mar;66:790-818; Upadhyaya M et al. Hum. Mutat. 2006 Jul;27:716; Griffiths S et al. Fam. Cancer 2007;6:21-34; Pros E et al. Hum. Mutat. 2008 Sep;29:E173-93). In addition, alterations that disrupt the canonical splice site are expected to cause aberrant splicing, resulting in an abnormal protein or a transcript that is subject to nonsense-mediated mRNA decay. As such, this alteration is classified as a disease-causing mutation.

Literature cited by the submitters: PubMed 9003501 (cited by Labcorp Genetics (formerly Invitae), Labcorp); PubMed 10712197 (cited by Labcorp Genetics (formerly Invitae), Labcorp); PubMed 16944272 (cited by Labcorp Genetics (formerly Invitae), Labcorp); PubMed 18546366 (cited by Labcorp Genetics (formerly Invitae), Labcorp).